The following is an entry in ClinVar:

NM_000321.3(RB1):c.1128-1G>A

Gene: RB1 (RB transcriptional corepressor 1; plus strand). Cytogenetic location: 13q14.2.
Variant type: single nucleotide variant.
Coding change: c.1128-1G>A on transcript NM_000321.3 (MANE Select); the canonical splice acceptor site of the intron before coding-DNA position 1128, G replaced by A.
Molecular consequence: splice acceptor variant.
Genome position (GRCh38, 1-based): chr13:48,373,404, G>A. VCF-style: chr13-48373404-G-A. GRCh37 (hg19) VCF-style: chr13-48947540-G-A.
Other names: c.1128-1G>A (NM_001407165.1, NM_001407166.1).
Identifiers: ClinVar variation 1351653 (VCV001351653.11), dbSNP rs2138130852, ClinGen allele CA388161425.
Genomic context (GRCh38, chr13:48,373,404, plus strand): 5'-CATTTTTTCTTTTTTTCTCCCTTCATTGCTTAACACATTTTCCTATTTTTATCCCCTCTA[G>A]GACTGTTATGAACACTATCCAACAATTAATGATGATTTTAAATTCAGCAAGTGATCAACC-3'

ClinVar aggregate classification (germline): Pathogenic. Review status: criteria provided, multiple submitters, no conflicts (2 of 4 stars). 3 submissions from 3 submitters: Pathogenic (3). Last evaluated 2025-09-17.
ClinVar aggregate classification (oncogenicity): Likely oncogenic (1 of 4 stars; one submission).

Conditions:
Hereditary retinoblastoma. Identifiers: Orphanet 357027, MedGen C0751483, MONDO:0018160.
Retinoblastoma (RB1). Also called: RETINOBLASTOMA, SOMATIC. Identifiers: Orphanet 790, MedGen C0035335, MeSH D012175, MONDO:0008380, OMIM 180200, HP:0009919. Disease mechanism: loss of function. Inheritance: Both sporadic and heritable forms are tested..
Neoplasm. Also called: Neoplasms; Neoplasm (disease); tumor. Identifiers: MedGen C0027651, MeSH D009369, MONDO:0005070, HP:0002664.

Submissions (4):

Ramesar Group, Division of Human Genetics, Institute of Infectious Diseases and Molecular Medicine, UCT/MRC Genomic and Precision Medicine Research Unit, University of Cape Town
Classification: Pathogenic for Hereditary retinoblastoma. Last evaluated: 2025-09-17. Review status: criteria provided, single submitter. Criteria: ACMG Guidelines, 2015. Collection method: research. Allele origin: germline. Affected: yes. Observed: 1 variant allele.
Comment: PVS1: Null variant (canonical -1 splice site) in a gene (RB1) where LOF is a known mechanism of disease PM2: Absent from gnomAD and ExAC PP3: SpliceAI informs an acceptor loss and donor loss score of 0.97 and 0.89, respectively PP4: Patients presents with bilateral retinoblastoma PP5: Reported as pathogenic in ClinVar

Center for Genomic Medicine, Rigshospitalet, Copenhagen University Hospital
Classification: Likely oncogenic for Neoplasm. Last evaluated: 2025-03-04. Review status: criteria provided, single submitter. Criteria: ClinGen/CGC/VICC Guidelines for Oncogenicity, 2022. Collection method: clinical testing. Allele origin: somatic. Affected: yes.

GeneDx
Classification: Pathogenic. Last evaluated: 2022-06-08. Review status: criteria provided, single submitter. Criteria: GeneDx Variant Classification Process June 2021. Collection method: clinical testing. Allele origin: germline. Affected: yes.
Comment: Canonical splice site variant predicted to result in a null allele in a gene for which loss of function is a known mechanism of disease; Not observed at significant frequency in large population cohorts (gnomAD); Also known as IVS 11-1; g.70241G>A; This variant is associated with the following publications: (PMID: 20090211)

Labcorp Genetics (formerly Invitae), Labcorp
Classification: Pathogenic for Retinoblastoma. Last evaluated: 2020-11-11. Review status: criteria provided, single submitter. Criteria: Invitae Variant Classification Sherloc (09022015). Collection method: clinical testing. Allele origin: germline.
Comment: Algorithms developed to predict the effect of sequence changes on RNA splicing suggest that this variant may disrupt the consensus splice site, but this prediction has not been confirmed by published transcriptional studies. This sequence change affects an acceptor splice site in intron 11 of the RB1 gene. It is expected to disrupt RNA splicing. Variants that disrupt the donor or acceptor splice site typically lead to a loss of protein function (PMID: 16199547), and loss-of-function variants in RB1 are known to be pathogenic (PMID: 17096365). This variant is not present in population databases (ExAC no frequency). This variant has been observed in individual(s) with bilateral retinoblastoma (PMID: 20090211). This variant is also known as IVS11-1G>A in the literature. For these reasons, this variant has been classified as Pathogenic.

Literature cited by the submitters: PubMed 20090211 (cited by Center for Genomic Medicine, Rigshospitalet, Copenhagen University Hospital and Labcorp Genetics (formerly Invitae), Labcorp); PubMed 16199547 (cited by Labcorp Genetics (formerly Invitae), Labcorp); PubMed 17096365 (cited by Labcorp Genetics (formerly Invitae), Labcorp).